The following is an entry in ClinVar:

NM_138694.4(PKHD1):c.411_414dup (p.Val139fs)

Gene: PKHD1 (PKHD1 ciliary IPT domain containing fibrocystin/polyductin; minus strand). Cytogenetic location: 6p12.2.
Variant type: Duplication.
Coding change: c.411_414dup on transcript NM_138694.4 (MANE Select); coding-DNA positions 411 to 414, 4 bases duplicated (CATC; older notation c.411_414dupCATC).
Protein change: p.Val139fs; shifts the reading frame from valine 139.
Molecular consequence: frameshift variant.
Genome position (GRCh38, 1-based): chr6:52,076,310-52,076,313, GATG duplicated on the plus strand (CATC on the coding strand, the reverse complement: PKHD1 is on the minus strand); duplicating any 4 consecutive bases within chr6:52,076,310-52,076,314 gives the same sequence; the c. name uses the placement nearest the transcript's 3' end. VCF-style (leftmost placement, unchanged base first): chr6-52076309-C-CGATG. GRCh37 (hg19) VCF-style: chr6-51941107-C-CGATG.
Other names: c.411_414dup, p.Val139fs (NM_170724.3); short protein forms V139fs.
Identifiers: ClinVar variation 1453789 (VCV001453789.6), dbSNP rs2128236822, ClinGen allele CA2573140910.
Genomic context (GRCh38, chr6:52,076,309, plus strand): 5'-TTCCTATTTTAATAGAAGATTTCTTACCTGGAACACCACTTGGTGGATAAACTTGGTGAA[C>CGATG]GATGGGTGTCTGCGCCTTGGAAAACTGTTTAGAAAATAGTACCACAAGTGAGCATGTCAT-3'

ClinVar aggregate classification (germline): Pathogenic (1 of 4 stars; one submission).

Conditions:
Autosomal recessive polycystic kidney disease (ARPKD). Also called: AR polycystic kidney disease. Identifiers: Orphanet 731, Orphanet 8378, MedGen C0085548, MeSH D017044, MONDO:0009889.

Submission:

Labcorp Genetics (formerly Invitae), Labcorp
Classification: Pathogenic for Autosomal recessive polycystic kidney disease. Last evaluated: 2022-08-16. Review status: criteria provided, single submitter. Criteria: Invitae Variant Classification Sherloc (09022015). Collection method: clinical testing. Allele origin: germline.
Comment: For these reasons, this variant has been classified as Pathogenic. ClinVar contains an entry for this variant (Variation ID: 1453789). This variant has not been reported in the literature in individuals affected with PKHD1-related conditions. This variant is not present in population databases (gnomAD no frequency). This sequence change creates a premature translational stop signal (p.Val139Hisfs*31) in the PKHD1 gene. It is expected to result in an absent or disrupted protein product. Loss-of-function variants in PKHD1 are known to be pathogenic (PMID: 19940839).

Literature cited by the submitters: PubMed 19940839.